The following is an entry in ClinVar:

NM_002691.4(POLD1):c.1026G>A (p.Leu342=)

Gene: POLD1 (DNA polymerase delta 1, catalytic subunit; plus strand). Cytogenetic location: 19q13.33.
Variant type: single nucleotide variant.
Coding change: c.1026G>A on transcript NM_002691.4 (MANE Select); coding-DNA position 1026, G replaced by A.
Protein change: p.Leu342=; no amino-acid change (leucine 342 retained).
Molecular consequence: synonymous variant. On other transcripts: non-coding transcript variant (1).
Genome position (GRCh38, 1-based): chr19:50,403,108, G>A. VCF-style: chr19-50403108-G-A. GRCh37 (hg19) VCF-style: chr19-50906365-G-A.
Other names: c.1026G>A, p.Leu342= (NM_001256849.1, NM_001308632.1).
Identifiers: ClinVar variation 3904472 (VCV003904472.1).

ClinVar aggregate classification (germline): Benign (1 of 4 stars; one submission).

Conditions:
POLD1-related polyposis and colorectal cancer syndrome (CRCS10). Also called: Colorectal cancer 10; COLORECTAL CANCER, SUSCEPTIBILITY TO, ON CHROMOSOME 19q; Colorectal cancer, susceptibility to, 10. Identifiers: Orphanet 220460, MedGen C2675481, MONDO:0012953, OMIM 612591.

gnomAD v4.1: 1 of 1,564,920 alleles (0.000064%); highest among the groups gnomAD compares: Non-Finnish European, 0.000087%; no homozygotes.

Submission:

Myriad Genetics, Inc.
Classification: Benign for POLD1-related polyposis and colorectal cancer syndrome. Last evaluated: 2025-02-05. Review status: criteria provided, single submitter. Criteria: Myriad Autosomal Dominant, Autosomal Recessive and X-Linked Classification Criteria (2023). Collection method: clinical testing. Allele origin: unknown.
Comment: This variant is considered benign. This variant is a silent/synonymous amino acid change and it is not expected to impact splicing.